The following is an entry in ClinVar:

ClinVar aggregate classification (germline): Uncertain significance (1 of 4 stars; one submission).

Submission:

Labcorp Genetics (formerly Invitae), Labcorp
Classification: Uncertain significance. Last evaluated: 2024-12-10. Review status: criteria provided, single submitter. Criteria: Invitae Variant Classification Sherloc (09022015). Collection method: clinical testing. Allele origin: germline.
Comment: This sequence change replaces methionine, which is neutral and non-polar, with threonine, which is neutral and polar, at codon 452 of the KRT6A protein (p.Met452Thr). This variant is present in population databases (no rsID available, gnomAD 0.006%). This variant has not been reported in the literature in individuals affected with KRT6A-related conditions. Invitae Evidence Modeling of protein sequence and biophysical properties (such as structural, functional, and spatial information, amino acid conservation, physicochemical variation, residue mobility, and thermodynamic stability) has been performed for this missense variant. However, the output from this modeling did not meet the statistical confidence thresholds required to predict the impact of this variant on KRT6A protein function. In summary, the available evidence is currently insufficient to determine the role of this variant in disease. Therefore, it has been classified as a Variant of Uncertain Significance.

NM_005554.4(KRT6A):c.1355T>C (p.Met452Thr)

Gene: KRT6A (keratin 6A; minus strand). Cytogenetic location: 12q13.13.
Variant type: single nucleotide variant.
Coding change: c.1355T>C on transcript NM_005554.4 (MANE Select); coding-DNA position 1355, T replaced by C.
Protein change: p.Met452Thr; replaces methionine 452 with threonine.
Molecular consequence: missense variant.
Genome position (GRCh38, 1-based): chr12:52,488,397, A>G on the plus strand (T>C on the coding strand, the complement: KRT6A is on the minus strand). VCF-style: chr12-52488397-A-G. GRCh37 (hg19) VCF-style: chr12-52882181-A-G.
Other names: short protein forms M452T.
Identifiers: ClinVar variation 3611175 (VCV003611175.2).
Genomic context (GRCh38, chr12:52,488,397, plus strand): 5'-TCACCCTCCAGCAGCTTGCGGTAGGTGGCGATCTCCACGTCCAGGGCCAGCTTGACATTC[A>G]TCAGCTCCTGGTACTCCTTCAGCAGCCGGGCCAGGTCCTGCTTGGCCTTCTGCAGGGCAT-3'
Protein context (NP_005545.1, residues 442-462): ARLLKEYQEL[Met452Thr]NVKLALDVEI